The following is an entry in ClinVar:

ClinVar aggregate classification (germline): Uncertain significance (1 of 4 stars; one submission).

Submission:

Ambry Genetics
Classification: Uncertain significance. Last evaluated: 2023-10-19. Review status: criteria provided, single submitter. Criteria: Ambry Variant Classification Scheme 2023. Collection method: clinical testing. Allele origin: germline.
Comment: The c.11650A>G variant (also known as p.K3884E), located in coding exon 82 of the PRKDC gene, results from an A to G substitution at nucleotide position 11650. The amino acid change results in lysine to glutamic acid at codon 3884, an amino acid with similar properties. However, this change occurs in the last base pair of coding exon 82, which makes it likely to have some effect on normal mRNA splicing. This amino acid position is conserved. In addition, the in silico prediction for this alteration is inconclusive. Since supporting evidence is limited at this time, the clinical significance of this alteration remains unclear.

NM_006904.7(PRKDC):c.11650A>G (p.Lys3884Glu)

Gene: PRKDC (protein kinase, DNA-activated, catalytic subunit; minus strand). Cytogenetic location: 8q11.21.
Variant type: single nucleotide variant.
Coding change: c.11650A>G on transcript NM_006904.7 (MANE Select); coding-DNA position 11650, A replaced by G.
Protein change: p.Lys3884Glu; replaces lysine 3884 with glutamic acid.
Molecular consequence: missense variant.
Genome position (GRCh38, 1-based): chr8:47,778,729, T>C on the plus strand (A>G on the coding strand, the complement: PRKDC is on the minus strand). VCF-style: chr8-47778729-T-C. GRCh37 (hg19) VCF-style: chr8-48691290-T-C.
Other names: c.11557A>G, p.Lys3853Glu (NM_001081640.2); short protein forms K3853E, K3884E.
Identifiers: ClinVar variation 3225720 (VCV003225720.1), dbSNP rs2154497357, ClinGen allele CA371128871.